The following is an entry in ClinVar:

ClinVar aggregate classification (germline): Conflicting classifications of pathogenicity. Review status: criteria provided, conflicting classifications (1 of 4 stars). 3 submissions from 3 submitters: Uncertain significance (2); Likely benign (1). Last evaluated 2024-10-11.

Conditions:
Hereditary cancer-predisposing syndrome. Also called: Neoplastic Syndromes, Hereditary; Tumor predisposition; Hereditary Cancer Syndrome; Hereditary neoplastic syndrome. Identifiers: Orphanet 140162, MedGen C0027672, MeSH D009386, MONDO:0015356.
Familial cancer of breast. Also called: BREAST CANCER, FAMILIAL; hereditary breast carcinoma; Hereditary breast cancer. Identifiers: Orphanet 227535, MedGen C0346153, MONDO:0016419, OMIM 114480. Disease mechanism: loss of function.

Allele frequency attached by ClinVar (database versions not stated): gnomAD exomes below 0.00001; ExAC 0.00001.

Submissions (3):

Ambry Genetics
Classification: Likely benign for Hereditary cancer-predisposing syndrome. Last evaluated: 2024-10-11. Review status: criteria provided, single submitter. Criteria: Ambry Variant Classification Scheme 2023. Collection method: clinical testing. Allele origin: germline.

Labcorp Genetics (formerly Invitae), Labcorp
Classification: Uncertain significance for Familial cancer of breast. Last evaluated: 2024-08-21. Review status: criteria provided, single submitter. Criteria: Invitae Variant Classification Sherloc (09022015). Collection method: clinical testing. Allele origin: germline.
Comment: This sequence change replaces methionine, which is neutral and non-polar, with isoleucine, which is neutral and non-polar, at codon 1032 of the PALB2 protein (p.Met1032Ile). This variant is present in population databases (rs778705498, gnomAD 0.003%). This variant has not been reported in the literature in individuals affected with PALB2-related conditions. ClinVar contains an entry for this variant (Variation ID: 232245). Invitae Evidence Modeling of protein sequence and biophysical properties (such as structural, functional, and spatial information, amino acid conservation, physicochemical variation, residue mobility, and thermodynamic stability) indicates that this missense variant is expected to disrupt PALB2 protein function with a positive predictive value of 80%. In summary, the available evidence is currently insufficient to determine the role of this variant in disease. Therefore, it has been classified as a Variant of Uncertain Significance.

Color Diagnostics, LLC DBA Color Health
Classification: Uncertain significance for Hereditary cancer-predisposing syndrome. Last evaluated: 2018-08-11. Review status: criteria provided, single submitter. Criteria: ACMG Guidelines, 2015. Collection method: clinical testing. Allele origin: germline.

Literature cited by the submitters: PubMed 24141787 (cited by Ambry Genetics).

NM_024675.4(PALB2):c.3096G>C (p.Met1032Ile)

Gene: PALB2 (partner and localizer of BRCA2; minus strand). Cytogenetic location: 16p12.2.
Variant type: single nucleotide variant.
Coding change: c.3096G>C on transcript NM_024675.4 (MANE Select); coding-DNA position 3096, G replaced by C.
Protein change: p.Met1032Ile; replaces methionine 1032 with isoleucine.
Molecular consequence: missense variant.
Genome position (GRCh38, 1-based): chr16:23,621,379, C>G on the plus strand (G>C on the coding strand, the complement: PALB2 is on the minus strand). VCF-style: chr16-23621379-C-G. GRCh37 (hg19) VCF-style: chr16-23632700-C-G.
Other names: short protein forms M1032I.
Identifiers: ClinVar variation 232245 (VCV000232245.17), dbSNP rs778705498, ClinGen allele CA7963436.